The following is an entry in ClinVar:

NM_006302.3(MOGS):c.2213A>G (p.Tyr738Cys)

Gene: MOGS (mannosyl-oligosaccharide glucosidase; minus strand). Cytogenetic location: 2p13.1.
Variant type: single nucleotide variant.
Coding change: c.2213A>G on transcript NM_006302.3 (MANE Select); coding-DNA position 2213, A replaced by G.
Protein change: p.Tyr738Cys; replaces tyrosine 738 with cysteine.
Molecular consequence: missense variant.
Genome position (GRCh38, 1-based): chr2:74,461,576, T>C on the plus strand (A>G on the coding strand, the complement: MOGS is on the minus strand). VCF-style: chr2-74461576-T-C. GRCh37 (hg19) VCF-style: chr2-74688703-T-C.
Other names: c.1895A>G, p.Tyr632Cys (NM_001146158.2); short protein forms Y738C, Y632C.
Identifiers: ClinVar variation 2062167 (VCV002062167.4), dbSNP rs2529491462, ClinGen allele CA347366892.

ClinVar aggregate classification (germline): Uncertain significance (1 of 4 stars; one submission).

Conditions:
MOGS-congenital disorder of glycosylation. Also called: CDG IIb; GLUCOSIDASE I DEFICIENCY; MOGS-CDG; CDG 2B. Identifiers: Orphanet 79330, MedGen C1853736, MONDO:0011629, OMIM 606056.

Submission:

Labcorp Genetics (formerly Invitae), Labcorp
Classification: Uncertain significance for MOGS-congenital disorder of glycosylation. Last evaluated: 2024-02-23. Review status: criteria provided, single submitter. Criteria: Invitae Variant Classification Sherloc (09022015). Collection method: clinical testing. Allele origin: germline.
Comment: This sequence change replaces tyrosine, which is neutral and polar, with cysteine, which is neutral and slightly polar, at codon 738 of the MOGS protein (p.Tyr738Cys). This variant is not present in population databases (gnomAD no frequency). This variant has not been reported in the literature in individuals affected with MOGS-related conditions. ClinVar contains an entry for this variant (Variation ID: 2062167). Advanced modeling of protein sequence and biophysical properties (such as structural, functional, and spatial information, amino acid conservation, physicochemical variation, residue mobility, and thermodynamic stability) performed at Invitae indicates that this missense variant is expected to disrupt MOGS protein function with a positive predictive value of 80%. In summary, the available evidence is currently insufficient to determine the role of this variant in disease. Therefore, it has been classified as a Variant of Uncertain Significance.